The following is an entry in ClinVar:

ClinVar aggregate classification (germline): Likely benign (0 of 4 stars; one submission).

Conditions:
EPAS1-related disorder. Also called: EPAS1-related condition.

Allele frequency attached by ClinVar (database versions not stated): ExAC 0.00007; gnomAD exomes 0.00008; ESP Exome Variant Server 0.00015.
gnomAD v4.1: 135 of 1,612,016 alleles (0.0084%); highest among the groups gnomAD compares: African/African-American, 0.027%; no homozygotes.

Submission:

PreventionGenetics, part of Exact Sciences
Classification: Likely benign for EPAS1-related condition. Last evaluated: 2019-10-03. Review status: no assertion criteria provided. Collection method: clinical testing. Allele origin: germline.
Comment: This variant is classified as likely benign based on ACMG/AMP sequence variant interpretation guidelines (Richards et al. 2015 PMID: 25741868, with internal and published modifications).

NM_001430.5(EPAS1):c.2287+9C>T

Gene: EPAS1 (endothelial PAS domain protein 1; plus strand). Cytogenetic location: 2p21.
Variant type: single nucleotide variant.
Coding change: c.2287+9C>T on transcript NM_001430.5 (MANE Select); 9 bases into the intron after coding-DNA position 2287, C replaced by T.
Molecular consequence: intron variant.
Genome position (GRCh38, 1-based): chr2:46,382,098, C>T. VCF-style: chr2-46382098-C-T. GRCh37 (hg19) VCF-style: chr2-46609237-C-T.
Identifiers: ClinVar variation 3043708 (VCV003043708.2), dbSNP rs377197070, ClinGen allele CA1645288.
Genomic context (GRCh38, chr2:46,382,098, plus strand): 5'-GGGAGCTGCCCTTTGATGCCGGACAAGCCACTGAGCGCAAATGTACCCAATGGTGAGCAG[C>T]GGCCACAGGCCTGGGCCTCCTGGGGGTTCTGGTGGAAGGACTGGGGCTCGGGAGCCCATC-3'